The following is an entry in ClinVar:

ClinVar aggregate classification (germline): Likely benign. Review status: criteria provided, multiple submitters, no conflicts (2 of 4 stars). 4 submissions from 4 submitters: Likely benign (3). 1 of the submissions does not count toward it. Last evaluated 2026-01-20.

Conditions:
ACAD9-related disorder. Also called: ACAD9-related condition.

Allele frequency attached by ClinVar (database versions not stated): gnomAD exomes 0.00005 and 0.00010; ExAC 0.00011; 1000 Genomes Project 0.00020; 1000 Genomes Project 30x 0.00031; ESP Exome Variant Server 0.00031; gnomAD 0.00036 and 0.00041; TOPMed 0.00039.
gnomAD v4.1: 141 of 1,614,160 alleles (0.0087%); highest among the groups gnomAD compares: African/African-American, 0.14%; no homozygotes.

Submissions (4):

Labcorp Genetics (formerly Invitae), Labcorp
Classification: Likely benign. Last evaluated: 2026-01-20. Review status: criteria provided, single submitter. Criteria: Invitae Variant Classification Sherloc (09022015). Collection method: clinical testing. Allele origin: germline.

Blueprint Genetics
Classification: Likely benign. Last evaluated: 2024-08-28. Review status: criteria provided, single submitter. Criteria: ACMG Guidelines, 2015. Collection method: clinical testing. Allele origin: germline.

GeneDx
Classification: Likely benign. Last evaluated: 2021-03-31. Review status: criteria provided, single submitter. Criteria: GeneDx Variant Classification Process June 2021. Collection method: clinical testing. Allele origin: germline. Affected: yes.

PreventionGenetics, part of Exact Sciences
Classification: Likely benign for ACAD9-related condition. Last evaluated: 2019-03-28. Review status: no assertion criteria provided. Collection method: clinical testing. Allele origin: germline. Not counted in ClinVar's aggregate classification.
Comment: This variant is classified as likely benign based on ACMG/AMP sequence variant interpretation guidelines (Richards et al. 2015 PMID: 25741868, with internal and published modifications).

NM_014049.5(ACAD9):c.1716C>T (p.Cys572=)

Genes: CFAP92 (cilia and flagella associated protein 92 (putative); minus strand), ACAD9 (acyl-CoA dehydrogenase family member 9; plus strand). Cytogenetic location: 3q21.3.
Variant type: single nucleotide variant.
Coding change: c.1716C>T on transcript NM_014049.5 (MANE Select); coding-DNA position 1716, C replaced by T.
Protein change: p.Cys572=; no amino-acid change (cysteine 572 retained).
Molecular consequence: synonymous variant. On other transcripts: non-coding transcript variant (1), intron variant (3).
Genome position (GRCh38, 1-based): chr3:128,910,764, C>T. VCF-style: chr3-128910764-C-T. GRCh37 (hg19) VCF-style: chr3-128629607-C-T.
Other names: c.1347C>T, p.Cys449= (NM_001410805.1); c.2312-431G>A (NM_001348521.2); c.2408-431G>A (NM_001348520.2); c.3281-431G>A (NM_001394090.1).
Identifiers: ClinVar variation 515623 (VCV000515623.17), dbSNP rs147040198, ClinGen allele CA2601687.